The following is an entry in ClinVar:

ClinVar aggregate classification (germline): Uncertain significance (1 of 4 stars; one submission).

Conditions:
Kabuki syndrome. Also called: NIIKAWA-KUROKI SYNDROME; Kabuki make-up syndrome. Identifiers: Orphanet 2322, MedGen C0796004, MONDO:0016512.

Submission:

Labcorp Genetics (formerly Invitae), Labcorp
Classification: Uncertain significance for Kabuki syndrome. Last evaluated: 2025-11-09. Review status: criteria provided, single submitter. Criteria: Invitae Variant Classification Sherloc (09022015). Collection method: clinical testing. Allele origin: germline.
Comment: This sequence change replaces threonine, which is neutral and polar, with isoleucine, which is neutral and non-polar, at codon 4271 of the KMT2D protein (p.Thr4271Ile). This variant is not present in population databases (gnomAD no frequency). This variant has not been reported in the literature in individuals affected with KMT2D-related conditions. Invitae Evidence Modeling of protein sequence and biophysical properties (such as structural, functional, and spatial information, amino acid conservation, physicochemical variation, residue mobility, and thermodynamic stability) indicates that this missense variant is not expected to disrupt KMT2D protein function with a negative predictive value of 95%. In summary, the available evidence is currently insufficient to determine the role of this variant in disease. Therefore, it has been classified as a Variant of Uncertain Significance.

NM_003482.4(KMT2D):c.12812C>T (p.Thr4271Ile)

Gene: KMT2D (lysine methyltransferase 2D; minus strand). Cytogenetic location: 12q13.12.
Variant type: single nucleotide variant.
Coding change: c.12812C>T on transcript NM_003482.4 (MANE Select); coding-DNA position 12812, C replaced by T.
Protein change: p.Thr4271Ile; replaces threonine 4271 with isoleucine.
Molecular consequence: missense variant.
Genome position (GRCh38, 1-based): chr12:49,031,893, G>A on the plus strand (C>T on the coding strand, the complement: KMT2D is on the minus strand). VCF-style: chr12-49031893-G-A. GRCh37 (hg19) VCF-style: chr12-49425676-G-A.
Other names: short protein forms T4271I.
Identifiers: ClinVar variation 4705402 (VCV004705402.1).